The following is an entry in ClinVar:

NM_001165963.4(SCN1A):c.5029C>T (p.Leu1677Phe)

Genes: SCN1A (sodium voltage-gated channel alpha subunit 1; minus strand), LOC102724058 (uncharacterized LOC102724058; plus strand). Cytogenetic location: 2q24.3.
Variant type: single nucleotide variant.
Coding change: c.5029C>T on transcript NM_001165963.4 (MANE Select); coding-DNA position 5029, C replaced by T.
Protein change: p.Leu1677Phe; replaces leucine 1677 with phenylalanine.
Molecular consequence: missense variant. On other transcripts: non-coding transcript variant (1).
Genome position (GRCh38, 1-based): chr2:165,992,246, G>A on the plus strand (C>T on the coding strand, the complement: SCN1A is on the minus strand). VCF-style: chr2-165992246-G-A. GRCh37 (hg19) VCF-style: chr2-166848756-G-A.
Other names: c.4945C>T, p.Leu1649Phe (NM_001165964.3, NM_001353957.2, NM_001353958.2); c.5029C>T, p.Leu1677Phe (NM_001202435.3, NM_001353948.2); c.4996C>T, p.Leu1666Phe (NM_001353949.2, NM_001353950.2, NM_001353951.2 and 2 more transcripts); c.4993C>T, p.Leu1665Phe (NM_001353954.2, NM_001353955.2); c.4942C>T, p.Leu1648Phe (NM_001353960.2); c.2587C>T, p.Leu863Phe (NM_001353961.2); short protein forms L1648F, L863F, L1649F, L1665F, L1677F, L1666F.
Identifiers: ClinVar variation 1475981 (VCV001475981.9), dbSNP rs2105433326, ClinGen allele CA349069620.
Genomic context (GRCh38, chr2:165,992,246, plus strand): 5'-TCTTAACATAGGCAAAGTTGGACATCCCAAAGATGGCGTAGATGAACATGACTAGGAAGA[G>A]TAGGAGGCCGATGTTAAACAACGCAGGAAGGGACATCATCAAAGCAAAGAGCAGCGTGCG-3'
Protein context (NP_001159435.1, residues 1667-1687): LPALFNIGLL[Leu1677Phe]FLVMFIYAIF

ClinVar aggregate classification (germline): Pathogenic (1 of 4 stars; one submission).

Conditions:
Early-infantile DEE. Also called: Ohtahara syndrome; Early infantile epileptic encephalopathy with suppression bursts; Early infantile epileptic encephalopathy. Identifiers: Orphanet 1934, MedGen C0393706, MONDO:0800491.

Submission:

Labcorp Genetics (formerly Invitae), Labcorp
Classification: Pathogenic for Early-infantile DEE. Last evaluated: 2024-01-08. Review status: criteria provided, single submitter. Criteria: Invitae Variant Classification Sherloc (09022015). Collection method: clinical testing. Allele origin: germline.
Comment: This sequence change replaces leucine, which is neutral and non-polar, with phenylalanine, which is neutral and non-polar, at codon 1677 of the SCN1A protein (p.Leu1677Phe). This variant is not present in population databases (gnomAD no frequency). This missense change has been observed in individual(s) with Dravet syndrome (PMID: 18930999, 21868258, 23195492). In at least one individual the variant was observed to be de novo. ClinVar contains an entry for this variant (Variation ID: 1475981). Advanced modeling of protein sequence and biophysical properties (such as structural, functional, and spatial information, amino acid conservation, physicochemical variation, residue mobility, and thermodynamic stability) performed at Invitae indicates that this missense variant is expected to disrupt SCN1A protein function with a positive predictive value of 95%. For these reasons, this variant has been classified as Pathogenic.

Literature cited by the submitters: PubMed 18930999; PubMed 21868258; PubMed 23195492.